The following is an entry in ClinVar:

NM_015102.5(NPHP4):c.2324G>A (p.Arg775Gln)

Gene: NPHP4 (nephrocystin 4; minus strand). Cytogenetic location: 1p36.31.
Variant type: single nucleotide variant.
Coding change: c.2324G>A on transcript NM_015102.5 (MANE Select); coding-DNA position 2324, G replaced by A.
Protein change: p.Arg775Gln; replaces arginine 775 with glutamine.
Molecular consequence: missense variant. On other transcripts: non-coding transcript variant (1).
Genome position (GRCh38, 1-based): chr1:5,887,447, C>T on the plus strand (G>A on the coding strand, the complement: NPHP4 is on the minus strand). VCF-style: chr1-5887447-C-T. GRCh37 (hg19) VCF-style: chr1-5947507-C-T.
Other names: c.785G>A, p.Arg262Gln (NM_001291593.2); c.788G>A, p.Arg263Gln (NM_001291594.2); short protein forms R262Q, R263Q, R775Q.
Identifiers: ClinVar variation 2158518 (VCV002158518.4), dbSNP rs1034438971, ClinGen allele CA17147495.

ClinVar aggregate classification (germline): Uncertain significance (1 of 4 stars; one submission).

Conditions:
Nephronophthisis. Also called: Juvenile Nephronophthisis. Identifiers: Orphanet 655, MedGen C0687120, MONDO:0019005, HP:0000090.

Allele frequency attached by ClinVar (database versions not stated): gnomAD exomes below 0.00001; TOPMed 0.00001; gnomAD 0.00002.
gnomAD v4.1: 9 of 1,613,192 alleles (0.00056%); highest among the groups gnomAD compares: Middle Eastern, 0.033%; no homozygotes.

Submission:

Labcorp Genetics (formerly Invitae), Labcorp
Classification: Uncertain significance for Nephronophthisis. Last evaluated: 2022-04-01. Review status: criteria provided, single submitter. Criteria: Invitae Variant Classification Sherloc (09022015). Collection method: clinical testing. Allele origin: germline.
Comment: This sequence change replaces arginine, which is basic and polar, with glutamine, which is neutral and polar, at codon 775 of the NPHP4 protein (p.Arg775Gln). This variant is present in population databases (no rsID available, gnomAD 0.007%). This variant has not been reported in the literature in individuals affected with NPHP4-related conditions. Algorithms developed to predict the effect of missense changes on protein structure and function are either unavailable or do not agree on the potential impact of this missense change (SIFT: "Deleterious"; PolyPhen-2: "Possibly Damaging"; Align-GVGD: "Class C0"). In summary, the available evidence is currently insufficient to determine the role of this variant in disease. Therefore, it has been classified as a Variant of Uncertain Significance.